The following is an entry in ClinVar:

ClinVar aggregate classification (germline): Pathogenic (1 of 4 stars; one submission).

Conditions:
BAP1-related tumor predisposition syndrome (TPDS1). Also called: TUMOR PREDISPOSITION SYNDROME 1; COMMON Syndrome; Tumor susceptibility linked to germline BAP1 mutations; BAP1 tumor predisposition syndrome. Identifiers: Orphanet 289539, MedGen C3280492, MONDO:0013692, OMIM 614327.

Submission:

Labcorp Genetics (formerly Invitae), Labcorp
Classification: Pathogenic for BAP1-related tumor predisposition syndrome. Last evaluated: 2024-07-01. Review status: criteria provided, single submitter. Criteria: Invitae Variant Classification Sherloc (09022015). Collection method: clinical testing. Allele origin: germline.
Comment: This sequence change creates a premature translational stop signal (p.Ile176Thrfs*11) in the BAP1 gene. It is expected to result in an absent or disrupted protein product. Loss-of-function variants in BAP1 are known to be pathogenic (PMID: 21874000, 23684012). This variant is not present in population databases (gnomAD no frequency). This variant has not been reported in the literature in individuals affected with BAP1-related conditions. For these reasons, this variant has been classified as Pathogenic.

Literature cited by the submitters: PubMed 21874000; PubMed 23684012.

NM_004656.4(BAP1):c.527del (p.Ile176fs)

Gene: BAP1 (BRCA1 associated deubiquitinase 1; minus strand). Cytogenetic location: 3p21.1.
Variant type: Deletion.
Coding change: c.527del on transcript NM_004656.4 (MANE Select); coding-DNA position 527, one base deleted (T; older notation c.527delT).
Protein change: p.Ile176fs; shifts the reading frame from isoleucine 176.
Molecular consequence: frameshift variant.
Genome position (GRCh38, 1-based): chr3:52,407,227, A deleted on the plus strand (T on the coding strand, the reverse complement: BAP1 is on the minus strand). VCF-style (leftmost placement, unchanged base first): chr3-52407226-GA-G. GRCh37 (hg19) VCF-style: chr3-52441242-GA-G.
Other names: c.527del, p.Ile176fs (NM_001410772.1); short protein forms I176fs.
Identifiers: ClinVar variation 2847349 (VCV002847349.3), dbSNP rs2471349981, ClinGen allele CA2739278594.